The following is an entry in ClinVar:

NM_001128840.3(CACNA1D):c.353C>G (p.Ala118Gly)

Gene: CACNA1D (calcium voltage-gated channel subunit alpha1 D; plus strand). Cytogenetic location: 3p21.1.
Variant type: single nucleotide variant.
Coding change: c.353C>G on transcript NM_001128840.3 (MANE Select); coding-DNA position 353, C replaced by G.
Protein change: p.Ala118Gly; replaces alanine 118 with glycine.
Molecular consequence: missense variant.
Genome position (GRCh38, 1-based): chr3:53,497,437, C>G. VCF-style: chr3-53497437-C-G. GRCh37 (hg19) VCF-style: chr3-53531464-C-G.
Other names: c.353C>G, p.Ala118Gly (NM_000720.4, NM_001128839.3); short protein forms A118G.
Identifiers: ClinVar variation 1928881 (VCV001928881.5), dbSNP rs1004362019, ClinGen allele CA75053241.

ClinVar aggregate classification (germline): Uncertain significance (1 of 4 stars; one submission).

Allele frequency attached by ClinVar (database versions not stated): gnomAD exomes below 0.00001; gnomAD 0.00001; TOPMed 0.00001.
gnomAD v4.1: 8 of 1,614,052 alleles (0.0005%); highest among the groups gnomAD compares: African/African-American, 0.0067%; no homozygotes.

Submission:

Labcorp Genetics (formerly Invitae), Labcorp
Classification: Uncertain significance. Last evaluated: 2025-03-30. Review status: criteria provided, single submitter. Criteria: Invitae Variant Classification Sherloc (09022015). Collection method: clinical testing. Allele origin: germline.
Comment: This sequence change replaces alanine, which is neutral and non-polar, with glycine, which is neutral and non-polar, at codon 118 of the CACNA1D protein (p.Ala118Gly). This variant is not present in population databases (gnomAD no frequency). This variant has not been reported in the literature in individuals affected with CACNA1D-related conditions. ClinVar contains an entry for this variant (Variation ID: 1928881). Invitae Evidence Modeling of protein sequence and biophysical properties (such as structural, functional, and spatial information, amino acid conservation, physicochemical variation, residue mobility, and thermodynamic stability) indicates that this missense variant is not expected to disrupt CACNA1D protein function with a negative predictive value of 80%. In summary, the available evidence is currently insufficient to determine the role of this variant in disease. Therefore, it has been classified as a Variant of Uncertain Significance.